The following is an entry in ClinVar:

NM_000312.4(PROC):c.632G>A (p.Arg211Gln)

Gene: PROC (protein C, inactivator of coagulation factors Va and VIIIa; plus strand). Cytogenetic location: 2q14.3.
Variant type: single nucleotide variant.
Coding change: c.632G>A on transcript NM_000312.4 (MANE Select); coding-DNA position 632, G replaced by A.
Protein change: p.Arg211Gln; replaces arginine 211 with glutamine.
Molecular consequence: missense variant.
Genome position (GRCh38, 1-based): chr2:127,426,181, G>A. VCF-style: chr2-127426181-G-A. GRCh37 (hg19) VCF-style: chr2-128183757-G-A.
Other names: p.Arg211Gln; c.815G>A, p.Arg272Gln (NM_001375602.1); c.797G>A, p.Arg266Gln (NM_001375603.1); c.695G>A, p.Arg232Gln (NM_001375604.1); c.734G>A, p.Arg245Gln (NM_001375605.1); c.800G>A, p.Arg267Gln (NM_001375606.1); c.818G>A, p.Arg273Gln (NM_001375607.1); c.575G>A, p.Arg192Gln (NM_001375608.1); and 3 more; short protein forms R192Q, R203Q, R209Q, R211Q, R232Q, R245Q, R266Q, R267Q.
Identifiers: ClinVar variation 1048661 (VCV001048661.5), dbSNP rs199469476, ClinGen allele CA55348396.

ClinVar aggregate classification (germline): Pathogenic/Likely pathogenic. Review status: criteria provided, multiple submitters, no conflicts (2 of 4 stars). 3 submissions from 3 submitters: Pathogenic (1); Likely pathogenic (2). Last evaluated 2025-12-01.

Conditions:
Thrombophilia due to protein C deficiency, autosomal dominant. Also called: PROC DEFICIENCY, AUTOSOMAL DOMINANT; PROTEIN C DEFICIENCY, AUTOSOMAL DOMINANT. Identifiers: Orphanet 745, MedGen C2674321, MONDO:0008316, OMIM 176860. Disease mechanism: loss of function.

Allele frequency attached by ClinVar (database versions not stated): gnomAD exomes below 0.00001; TOPMed 0.00001.

Submissions (3):

Labcorp Genetics (formerly Invitae), Labcorp
Classification: Pathogenic for Thrombophilia due to protein C deficiency, autosomal dominant. Last evaluated: 2025-12-01. Review status: criteria provided, single submitter. Criteria: Invitae Variant Classification Sherloc (09022015). Collection method: clinical testing. Allele origin: germline.
Comment: This sequence change replaces arginine, which is basic and polar, with glutamine, which is neutral and polar, at codon 211 of the PROC protein (p.Arg211Gln). This variant is present in population databases (rs199469476, gnomAD 0.0009%). This missense change has been observed in individuals with autosomal dominant protein C deficiency (PMID: 8499565, 17152060, 28607330, 32717757). This variant is also known as p.Arg169Gln. ClinVar contains an entry for this variant (Variation ID: 1048661). Invitae Evidence Modeling of protein sequence and biophysical properties (such as structural, functional, and spatial information, amino acid conservation, physicochemical variation, residue mobility, and thermodynamic stability) indicates that this missense variant is expected to disrupt PROC protein function with a positive predictive value of 80%. This variant disrupts the p.Arg211Trp amino acid residue in PROC. Other variant(s) that disrupt this residue have been determined to be pathogenic (internal data). This suggests that this residue is clinically significant, and that variants that disrupt this residue are likely to be disease-causing. For these reasons, this variant has been classified as Pathogenic.

Mayo Clinic Laboratories, Mayo Clinic
Classification: Likely pathogenic. Last evaluated: 2023-09-21. Review status: criteria provided, single submitter. Criteria: ACMG Guidelines, 2015. Collection method: clinical testing. Allele origin: germline. Observed: 1 variant allele.
Comment: PM1, PM2_moderate, PM5, PS4_moderate

MVZ Martinsried, Medicover Genetics
Classification: Likely pathogenic for Thrombophilia due to protein C deficiency, autosomal dominant. Last evaluated: 2021-01-11. Review status: criteria provided, single submitter. Criteria: ACGS Guidelines, 2020. Collection method: clinical testing. Allele origin: unknown. Affected: yes.

Literature cited by the submitters: PubMed 8499565 (cited by Labcorp Genetics (formerly Invitae), Labcorp and Mayo Clinic Laboratories, Mayo Clinic); PubMed 17152060 (cited by Labcorp Genetics (formerly Invitae), Labcorp); PubMed 28607330 (cited by Labcorp Genetics (formerly Invitae), Labcorp and Mayo Clinic Laboratories, Mayo Clinic); PubMed 32717757 (cited by Labcorp Genetics (formerly Invitae), Labcorp); PubMed 22545135 (cited by Mayo Clinic Laboratories, Mayo Clinic); PubMed 27838551 (cited by Mayo Clinic Laboratories, Mayo Clinic); PubMed 35627118 (cited by Mayo Clinic Laboratories, Mayo Clinic); PubMed 36338413 (cited by Mayo Clinic Laboratories, Mayo Clinic).